The following is an entry in ClinVar:

NM_000424.4(KRT5):c.256C>T (p.Arg86Trp)

Gene: KRT5 (keratin 5; minus strand). Cytogenetic location: 12q13.13.
Variant type: single nucleotide variant.
Coding change: c.256C>T on transcript NM_000424.4 (MANE Select); coding-DNA position 256, C replaced by T.
Protein change: p.Arg86Trp; replaces arginine 86 with tryptophan.
Molecular consequence: missense variant.
Genome position (GRCh38, 1-based): chr12:52,520,041, G>A on the plus strand (C>T on the coding strand, the complement: KRT5 is on the minus strand). VCF-style: chr12-52520041-G-A. GRCh37 (hg19) VCF-style: chr12-52913825-G-A.
Other names: c.256C>T (NM_000424.3); short protein forms R86W.
Identifiers: ClinVar variation 2167476 (VCV002167476.5), dbSNP rs373163099, ClinGen allele CA6582888.
Genomic context (GRCh38, chr12:52,520,041, plus strand): 5'-CAAATCCACTACCGGCACCACCTCCAAAGCCATAGCCGCCTCCAGCACCAGCACCAAACC[G>A]GTTCCTGAAGCTGCCACCACTAGTGCTGATGGATATCCTCTTGGAGCCCCCCAGGTTGTA-3'
Protein context (NP_000415.2, residues 76-96): ISTSGGSFRN[Arg86Trp]FGAGAGGGYG

ClinVar aggregate classification (germline): Uncertain significance. Review status: criteria provided, multiple submitters, no conflicts (2 of 4 stars). 2 submissions from 2 submitters: Uncertain significance (2). Last evaluated 2024-02-12.

Conditions:
Inborn genetic diseases. Identifiers: MedGen C0950123, MeSH D030342.

Allele frequency attached by ClinVar (database versions not stated): gnomAD 0.00001; ExAC 0.00002; gnomAD exomes 0.00002; TOPMed 0.00002; ESP Exome Variant Server 0.00008.

Submissions (2):

Ambry Genetics
Classification: Uncertain significance for Inborn genetic diseases. Last evaluated: 2024-02-12. Review status: criteria provided, single submitter. Criteria: Ambry Variant Classification Scheme 2023. Collection method: clinical testing. Allele origin: germline.

Labcorp Genetics (formerly Invitae), Labcorp
Classification: Uncertain significance. Last evaluated: 2022-09-22. Review status: criteria provided, single submitter. Criteria: Invitae Variant Classification Sherloc (09022015). Collection method: clinical testing. Allele origin: germline.
Comment: In summary, the available evidence is currently insufficient to determine the role of this variant in disease. Therefore, it has been classified as a Variant of Uncertain Significance. Advanced modeling of protein sequence and biophysical properties (such as structural, functional, and spatial information, amino acid conservation, physicochemical variation, residue mobility, and thermodynamic stability) performed at Invitae indicates that this missense variant is not expected to disrupt KRT5 protein function. This variant has not been reported in the literature in individuals affected with KRT5-related conditions. This variant is present in population databases (rs373163099, gnomAD 0.004%). This sequence change replaces arginine, which is basic and polar, with tryptophan, which is neutral and slightly polar, at codon 86 of the KRT5 protein (p.Arg86Trp).